The following is an entry in ClinVar:

ClinVar aggregate classification (germline): Uncertain significance (1 of 4 stars; one submission).

Allele frequency attached by ClinVar (database versions not stated): gnomAD exomes below 0.00001; gnomAD 0.00005; ESP Exome Variant Server 0.00009; TOPMed 0.00010.
gnomAD v4.1: 11 of 1,208,605 alleles (0.00091%); highest among the groups gnomAD compares: African/African-American, 0.016%; no homozygotes.

Submission:

Labcorp Genetics (formerly Invitae), Labcorp
Classification: Uncertain significance. Last evaluated: 2024-12-15. Review status: criteria provided, single submitter. Criteria: Invitae Variant Classification Sherloc (09022015). Collection method: clinical testing. Allele origin: germline.
Comment: This sequence change replaces methionine, which is neutral and non-polar, with isoleucine, which is neutral and non-polar, at codon 810 of the COL4A5 protein (p.Met810Ile). This variant is present in population databases (rs138083045, gnomAD 0.03%). This variant has not been reported in the literature in individuals affected with COL4A5-related conditions. ClinVar contains an entry for this variant (Variation ID: 2178095). Invitae Evidence Modeling of protein sequence and biophysical properties (such as structural, functional, and spatial information, amino acid conservation, physicochemical variation, residue mobility, and thermodynamic stability) indicates that this missense variant is not expected to disrupt COL4A5 protein function with a negative predictive value of 95%. In summary, the available evidence is currently insufficient to determine the role of this variant in disease. Therefore, it has been classified as a Variant of Uncertain Significance.

NM_033380.3(COL4A5):c.2430G>T (p.Met810Ile)

Gene: COL4A5 (collagen type IV alpha 5 chain; plus strand). Cytogenetic location: Xq22.3.
Variant type: single nucleotide variant.
Coding change: c.2430G>T on transcript NM_033380.3 (MANE Select); coding-DNA position 2430, G replaced by T.
Protein change: p.Met810Ile; replaces methionine 810 with isoleucine.
Molecular consequence: missense variant.
Genome position (GRCh38, 1-based): chrX:108,614,945, G>T. VCF-style: chrX-108614945-G-T. GRCh37 (hg19) VCF-style: chrX-107858175-G-T.
Other names: c.2430G>T, p.Met810Ile (NM_000495.5); short protein forms M810I.
Identifiers: ClinVar variation 2178095 (VCV002178095.3), dbSNP rs138083045, ClinGen allele CA10488914.